The following is an entry in ClinVar:

NM_006231.4(POLE):c.3058A>C (p.Lys1020Gln)

Gene: POLE (DNA polymerase epsilon, catalytic subunit; minus strand). Cytogenetic location: 12q24.33.
Variant type: single nucleotide variant.
Coding change: c.3058A>C on transcript NM_006231.4 (MANE Select); coding-DNA position 3058, A replaced by C.
Protein change: p.Lys1020Gln; replaces lysine 1020 with glutamine.
Molecular consequence: missense variant.
Genome position (GRCh38, 1-based): chr12:132,660,971, T>G on the plus strand (A>C on the coding strand, the complement: POLE is on the minus strand). VCF-style: chr12-132660971-T-G. GRCh37 (hg19) VCF-style: chr12-133237557-T-G.
Other names: short protein forms K1020Q.
Identifiers: ClinVar variation 3422243 (VCV003422243.2).

ClinVar aggregate classification (germline): Uncertain significance (1 of 4 stars; one submission).

Conditions:
Hereditary cancer-predisposing syndrome. Also called: Neoplastic Syndromes, Hereditary; Hereditary Cancer Syndrome; Hereditary neoplastic syndrome; Tumor predisposition. Identifiers: Orphanet 140162, MedGen C0027672, MeSH D009386, MONDO:0015356.

Submission:

Ambry Genetics
Classification: Uncertain significance for Hereditary cancer-predisposing syndrome. Last evaluated: 2026-02-09. Review status: criteria provided, single submitter. Criteria: Ambry Variant Classification Scheme 2023. Collection method: clinical testing. Allele origin: germline.
Comment: The p.K1020Q variant (also known as c.3058A>C), located in coding exon 25 of the POLE gene, results from an A to C substitution at nucleotide position 3058. The lysine at codon 1020 is replaced by glutamine, an amino acid with similar properties. This amino acid position is conserved. In addition, this alteration is predicted to be tolerated by in silico analysis. In silico splice site analysis predicts that this alteration will not have any significant effect on splicing. RNA studies have demonstrated that this variant results in an incomplete splice defect; the clinical impact of this abnormal splicing is unknown at this time (Ambry internal data). Based on the available evidence, the clinical significance of this variant remains unclear.